The following is an entry in ClinVar:

ClinVar aggregate classification (germline): Uncertain significance. Review status: criteria provided, multiple submitters, no conflicts (2 of 4 stars). 3 submissions from 3 submitters: Uncertain significance (3). Last evaluated 2020-11-30.

Conditions:
Microcephaly 6, primary, autosomal recessive. Identifiers: Orphanet 2512, MedGen C1842109, MONDO:0012029, OMIM 608393.

Submissions (3):

Revvity Omics, Revvity
Classification: Uncertain significance. Last evaluated: 2020-11-30. Review status: criteria provided, single submitter. Criteria: ACMG Guidelines, 2015. Collection method: clinical testing. Allele origin: germline.

Baylor Genetics
Classification: Uncertain significance for Microcephaly 6, primary, autosomal recessive. Last evaluated: 2019-11-13. Review status: criteria provided, single submitter. Criteria: ACMG Guidelines, 2015. Collection method: clinical testing. Allele origin: unknown. Affected: yes.
Comment: This variant was determined to be of uncertain significance according to ACMG Guidelines, 2015 [PMID:25741868].

CeGaT Center for Human Genetics Tuebingen
Classification: Uncertain significance. Last evaluated: 2019-02-01. Review status: criteria provided, single submitter. Criteria: CeGaT Center For Human Genetics Tuebingen Variant Classification Criteria Version 2. Collection method: clinical testing. Allele origin: germline. Affected: yes. Observed: 1 variant allele.

NM_018451.5(CPAP):c.3081G>T (p.Gln1027His)

Gene: CPAP (centrosome assembly and centriole elongation protein; minus strand). Cytogenetic location: 13q12.12.
Variant type: single nucleotide variant.
Coding change: c.3081G>T on transcript NM_018451.5 (MANE Select); coding-DNA position 3081, G replaced by T.
Protein change: p.Gln1027His; replaces glutamine 1027 with histidine.
Molecular consequence: missense variant. On other transcripts: non-coding transcript variant (2).
Genome position (GRCh38, 1-based): chr13:24,892,778, C>A on the plus strand (G>T on the coding strand, the complement: CPAP is on the minus strand). VCF-style: chr13-24892778-C-A. GRCh37 (hg19) VCF-style: chr13-25466916-C-A.
Other names: short protein forms Q1027H.
Identifiers: ClinVar variation 806995 (VCV000806995.46), dbSNP rs1593540180, ClinGen allele CA387580504.